The following is an entry in ClinVar:

ClinVar aggregate classification (germline): Uncertain significance (1 of 4 stars; one submission).

Submission:

Labcorp Genetics (formerly Invitae), Labcorp
Classification: Uncertain significance. Last evaluated: 2022-05-27. Review status: criteria provided, single submitter. Criteria: Invitae Variant Classification Sherloc (09022015). Collection method: clinical testing. Allele origin: germline.
Comment: This sequence change replaces arginine, which is basic and polar, with glycine, which is neutral and non-polar, at codon 8 of the ISCU protein (p.Arg8Gly). This variant is not present in population databases (gnomAD no frequency). This variant has not been reported in the literature in individuals affected with ISCU-related conditions. Algorithms developed to predict the effect of missense changes on protein structure and function output the following: SIFT: "Tolerated"; PolyPhen-2: "Not Available"; Align-GVGD: "Class C0". The glycine amino acid residue is found in multiple mammalian species, which suggests that this missense change does not adversely affect protein function. In summary, the available evidence is currently insufficient to determine the role of this variant in disease. Therefore, it has been classified as a Variant of Uncertain Significance.

NM_213595.4(ISCU):c.22C>G (p.Arg8Gly)

Gene: ISCU (iron-sulfur cluster assembly enzyme; plus strand). Cytogenetic location: 12q23.3.
Variant type: single nucleotide variant.
Coding change: c.22C>G on transcript NM_213595.4 (MANE Select); coding-DNA position 22, C replaced by G.
Protein change: p.Arg8Gly; replaces arginine 8 with glycine.
Molecular consequence: missense variant. On other transcripts: 5 prime UTR variant (1), non-coding transcript variant (1).
Genome position (GRCh38, 1-based): chr12:108,562,644, C>G. VCF-style: chr12-108562644-C-G. GRCh37 (hg19) VCF-style: chr12-108956420-C-G.
Other names: c.22C>G, p.Arg8Gly (NM_001301140.1, NM_001301141.1, NM_001320042.1); c.-150C>G (NM_014301.4); short protein forms R8G.
Identifiers: ClinVar variation 1960252 (VCV001960252.2), dbSNP rs11548233, ClinGen allele CA386428017.